The following is an entry in ClinVar:

ClinVar aggregate classification (germline): Pathogenic. Review status: criteria provided, multiple submitters, no conflicts (2 of 4 stars). 2 submissions from 2 submitters: Pathogenic (2). Last evaluated 2020-04-23.
ClinVar aggregate classification (somatic clinical impact): Tier I - Strong (1 of 4 stars; one submission).

Conditions:
Kabuki syndrome 1 (KABUK1). Also called: KMT2D-Related Kabuki Syndrome. Identifiers: Orphanet 2322, MedGen CN030661, MONDO:0007843, OMIM 147920.
Nasopharyngeal carcinoma. Also called: Nasopharyngeal carcinoma, somatic. Identifiers: Orphanet 150, MedGen C2931822, MONDO:0015459, OMIM 607107.

Submissions (3):

Institute for Genomic Medicine (IGM) Clinical Laboratory, Nationwide Children's Hospital
Classification: Tier I - Strong for Nasopharyngeal carcinoma. Assertion type: diagnostic. Clinical significance: supports diagnosis. Last evaluated: 2025-10-04. Review status: criteria provided, single submitter. Criteria: AMP/ASCO/CAP Guidelines, 2017. Collection method: clinical testing. Allele origin: somatic. Affected: yes.
Comment: Variant has Tier I (strong) clinical significance as a diagnostic inclusion criterion in nasopharyngeal carcinoma, based on the following evidence: 1) Documented in one or more cancer databases (e.g., St. Jude Pecan, COSMIC, CIViC, OncoKB). 2) Appears in one or more well-established professional guidelines (e.g., World Health Organization [WHO]; National Comprehensive Cancer Network [NCCN]) as providing diagnostic, prognostic, or therapeutic information. 3) Information in the literature supports potential biologic effect of variant. 4) Diagnostic for a specific tumor type/classification based on well-powered studies with expert-level consensus (Evidence Level B).

Genomic Medicine Lab, University of California San Francisco
Classification: Pathogenic for Kabuki syndrome 1. Last evaluated: 2020-04-23. Review status: criteria provided, single submitter. Criteria: ACMG Guidelines, 2015. Collection method: clinical testing. Allele origin: de novo. Inheritance: Autosomal dominant inheritance. Affected: yes. Study: CSER-P3EGS.

Rady Children's Institute for Genomic Medicine, Rady Children's Hospital San Diego
Classification: Pathogenic for KABUKI SYNDROME 1. Last evaluated: 2018-03-27. Review status: criteria provided, single submitter. Criteria: ACMG Guidelines, 2015. Collection method: clinical testing. Allele origin: germline. Affected: yes. Observed: 1 variant allele.
Comment: This variant has been previously reported in the literature in an individual diagnosed with Kabuki Syndrome (PMID: 20711175). This variant is considered rare as it has not been reported in publically available population databases. KMT2D is loss of function intolerant and loss of function is a known mechanism for disease in this gene. Based on the combined evidence, the c.6010C>T (p.Gln2004Ter) variant is classified as pathogenic.

NM_003482.4(KMT2D):c.6010C>T (p.Gln2004Ter)

Gene: KMT2D (lysine methyltransferase 2D; minus strand). Cytogenetic location: 12q13.12.
Variant type: single nucleotide variant.
Coding change: c.6010C>T on transcript NM_003482.4 (MANE Select); coding-DNA position 6010, C replaced by T.
Protein change: p.Gln2004Ter; replaces glutamine 2004 with a stop codon.
Molecular consequence: nonsense.
Genome position (GRCh38, 1-based): chr12:49,042,188, G>A on the plus strand (C>T on the coding strand, the complement: KMT2D is on the minus strand). VCF-style: chr12-49042188-G-A. GRCh37 (hg19) VCF-style: chr12-49435971-G-A.
Other names: short protein forms Q2004*.
Identifiers: ClinVar variation 692015 (VCV000692015.4), dbSNP rs1592139221, ClinGen allele CA384627084.